The following is an entry in ClinVar:

NM_182961.4(SYNE1):c.226C>G (p.Pro76Ala)

Gene: SYNE1 (spectrin repeat containing nuclear envelope protein 1; minus strand). Cytogenetic location: 6q25.2.
Variant type: single nucleotide variant.
Coding change: c.226C>G on transcript NM_182961.4 (MANE Select); coding-DNA position 226, C replaced by G.
Protein change: p.Pro76Ala; replaces proline 76 with alanine.
Molecular consequence: missense variant.
Genome position (GRCh38, 1-based): chr6:152,520,542, G>C on the plus strand (C>G on the coding strand, the complement: SYNE1 is on the minus strand). VCF-style: chr6-152520542-G-C. GRCh37 (hg19) VCF-style: chr6-152841677-G-C.
Other names: c.226C>G, p.Pro76Ala (NM_033071.5); short protein forms P76A.
Identifiers: ClinVar variation 842657 (VCV000842657.7), dbSNP rs775028308, ClinGen allele CA4059824.

ClinVar aggregate classification (germline): Uncertain significance (1 of 4 stars; one submission).

Conditions:
Emery-Dreifuss muscular dystrophy 4, autosomal dominant (EDMD4). Also called: EMERY-DREIFUSS MUSCULAR DYSTROPHY 4 WITH VARIABLE FEATURES. Identifiers: Orphanet 261, MedGen C2751807, MONDO:0013071, OMIM 612998.
Autosomal recessive ataxia, Beauce type. Also called: Spinocerebellar ataxia, autosomal recessive 8; ATAXIA, RECESSIVE, OF BEAUCE; SYNE1-Related Autosomal Recessive Cerebellar Ataxia; SYNE1 Deficiency. Identifiers: Orphanet 88644, MedGen C1853116, MONDO:0012549, OMIM 610743.

Allele frequency attached by ClinVar (database versions not stated): gnomAD exomes below 0.00001; ExAC 0.00001.
gnomAD v4.1: 16 of 1,613,562 alleles (0.00099%); highest among the groups gnomAD compares: Admixed American, 0.0017%; no homozygotes.

Submission:

Labcorp Genetics (formerly Invitae), Labcorp
Classification: Uncertain significance for Emery-Dreifuss muscular dystrophy 4, autosomal dominant; Autosomal recessive ataxia, Beauce type. Last evaluated: 2022-10-25. Review status: criteria provided, single submitter. Criteria: Invitae Variant Classification Sherloc (09022015). Collection method: clinical testing. Allele origin: germline.
Comment: In summary, the available evidence is currently insufficient to determine the role of this variant in disease. Therefore, it has been classified as a Variant of Uncertain Significance. Algorithms developed to predict the effect of missense changes on protein structure and function are either unavailable or do not agree on the potential impact of this missense change (SIFT: "Deleterious"; PolyPhen-2: "Possibly Damaging"; Align-GVGD: "Class C0"). ClinVar contains an entry for this variant (Variation ID: 842657). This variant has not been reported in the literature in individuals affected with SYNE1-related conditions. This variant is present in population databases (rs775028308, gnomAD 0.003%). This sequence change replaces proline, which is neutral and non-polar, with alanine, which is neutral and non-polar, at codon 76 of the SYNE1 protein (p.Pro76Ala).